The following is an entry in ClinVar:

ClinVar aggregate classification (germline): Benign/Likely benign. Review status: criteria provided, multiple submitters, no conflicts (2 of 4 stars). 13 submissions from 13 submitters: Benign (1); Likely benign (9). 3 of the submissions do not count toward it. Last evaluated 2026-05-25.

Conditions:
MYH7-related disorder. Also called: MYH7-related condition; MYH7-related disease; MYH7-related disorders.
Cardiovascular phenotype. Identifiers: MedGen CN230736.
Cardiomyopathy (CMYO). Also called: Cardiomyopathies. Identifiers: Orphanet 167848, MedGen C0878544, MONDO:0004994, HP:0001638. Inheritance: Various modes of inheritance.
Hypertrophic cardiomyopathy. Also called: HYPERTROPHIC MYOCARDIOPATHY. Identifiers: Orphanet 217569, MedGen C0007194, MeSH D002312, MONDO:0005045, HP:0001639.

Allele frequency attached by ClinVar (database versions not stated): ESP Exome Variant Server 0.00008; gnomAD exomes 0.00009 and 0.00011; ExAC 0.00013; gnomAD 0.00014; TOPMed 0.00015; 1000 Genomes Project 30x 0.00031; 1000 Genomes Project 0.00040.
gnomAD v4.1: 166 of 1,614,110 alleles (0.01%); highest among the groups gnomAD compares: Admixed American, 0.03%; no homozygotes.

Submissions (13):

Women's Health and Genetics/Laboratory Corporation of America, LabCorp
Classification: Likely benign. Last evaluated: 2026-05-25. Review status: criteria provided, single submitter. Criteria: LabCorp Variant Classification Summary - May 2015. Collection method: clinical testing. Allele origin: germline.

Labcorp Genetics (formerly Invitae), Labcorp
Classification: Likely benign for Hypertrophic cardiomyopathy. Last evaluated: 2025-12-29. Review status: criteria provided, single submitter. Criteria: Invitae Variant Classification Sherloc (09022015). Collection method: clinical testing. Allele origin: germline.

Blueprint Genetics
Classification: Likely benign. Last evaluated: 2024-10-23. Review status: criteria provided, single submitter. Criteria: ACMG Guidelines, 2015. Collection method: clinical testing. Allele origin: germline.

All of Us Research Program, National Institutes of Health
Classification: Likely benign for Cardiomyopathy. Last evaluated: 2024-01-11. Review status: criteria provided, single submitter. Criteria: ACMG Guidelines, 2015. Collection method: clinical testing. Allele origin: germline. Inheritance: Autosomal dominant inheritance. Observed: 18 variant alleles, 18 heterozygotes.
Comment: This study involves interpretation of variants in research participants for the purpose of population health screening. Participant phenotype was not available at the time of variant classification. Additional details can be found in publication PMID: 35346344, PMCID: PMC8962531

Phosphorus, Inc.
Classification: Likely benign. Last evaluated: 2022-01-14. Review status: criteria provided, single submitter. Criteria: ACMG Guidelines, 2015. Collection method: clinical testing. Allele origin: germline. Inheritance: Autosomal dominant inheritance.
Comment: This synonymous variant is located 43 bp from the canonical splice site in exon 11 out of 40 exons of the MYH7 gene (transcript NM_000257.3). This variant has been reported in ClinVar (43113) NM_000257.4 (MYH7):c.957C>T (p.Thr319=) and occurred in GnomAD with a total MAF of 0.0110% and highest MAF of 0.0208% in the Latin American population. This position is not conserved. In silico splicing algorithms did not predict an impact on splicing, however no functional studies were performed to confirm this prediction. The variant has not occurred in the literature associated with the disease. In conclusion, the available evidence is sufficient to classify this variant as Likely Benign.

Color Diagnostics, LLC DBA Color Health
Classification: Likely benign for Cardiomyopathy. Last evaluated: 2018-10-08. Review status: criteria provided, single submitter. Criteria: ACMG Guidelines, 2015. Collection method: clinical testing. Allele origin: germline.

CHEO Genetics Diagnostic Laboratory, Children's Hospital of Eastern Ontario
Classification: Likely benign for Cardiomyopathy. Last evaluated: 2018-05-24. Review status: criteria provided, single submitter. Criteria: ACMG Guidelines, 2015. Collection method: clinical testing. Allele origin: germline.

Ambry Genetics
Classification: Likely benign for Cardiovascular phenotype. Last evaluated: 2016-04-05. Review status: criteria provided, single submitter. Criteria: Ambry Variant Classification Scheme 2023. Collection method: clinical testing. Allele origin: germline.

GeneDx
Classification: Benign. Last evaluated: 2015-10-23. Review status: criteria provided, single submitter. Criteria: GeneDx Variant Classification (06012015). Collection method: clinical testing. Allele origin: germline. Affected: yes.
Comment: This variant is considered likely benign or benign based on one or more of the following criteria: it is a conservative change, it occurs at a poorly conserved position in the protein, it is predicted to be benign by multiple in silico algorithms, and/or has population frequency not consistent with disease.

Laboratory for Molecular Medicine, Mass General Brigham Personalized Medicine
Classification: Likely benign. Last evaluated: 2008-08-06. Review status: criteria provided, single submitter. Criteria: LMM Criteria. Collection method: clinical testing. Allele origin: germline. Observed: 1 variant allele.

PreventionGenetics, part of Exact Sciences
Classification: Likely benign for MYH7-related condition. Last evaluated: 2023-02-18. Review status: no assertion criteria provided. Collection method: clinical testing. Allele origin: germline. Not counted in ClinVar's aggregate classification.
Comment: This variant is classified as likely benign based on ACMG/AMP sequence variant interpretation guidelines (Richards et al. 2015 PMID: 25741868, with internal and published modifications).

Clinical Genetics DNA and cytogenetics Diagnostics Lab, Erasmus MC, Erasmus Medical Center
Classification: Likely benign. Review status: no assertion criteria provided. Collection method: clinical testing. Allele origin: germline. Affected: yes. Study: VKGL Data-share Consensus. Not counted in ClinVar's aggregate classification.

Clinical Genetics, Academic Medical Center
Classification: Benign. Review status: no assertion criteria provided. Collection method: clinical testing. Allele origin: germline. Affected: yes. Study: VKGL Data-share Consensus. Not counted in ClinVar's aggregate classification.

NM_000257.4(MYH7):c.957C>T (p.Thr319=)

Gene: MYH7 (myosin heavy chain 7; minus strand). Cytogenetic location: 14q11.2.
Variant type: single nucleotide variant.
Coding change: c.957C>T on transcript NM_000257.4 (MANE Select); coding-DNA position 957, C replaced by T.
Protein change: p.Thr319=; no amino-acid change (threonine 319 retained).
Genome position (GRCh38, 1-based): chr14:23,430,602, G>A on the plus strand (C>T on the coding strand, the complement: MYH7 is on the minus strand). VCF-style: chr14-23430602-G-A. GRCh37 (hg19) VCF-style: chr14-23899811-G-A.
Identifiers: ClinVar variation 43113 (VCV000043113.33), dbSNP rs368699342, ClinGen allele CA016994.